The following is an entry in ClinVar:

ClinVar aggregate classification (germline): Likely pathogenic. Review status: criteria provided, multiple submitters, no conflicts (2 of 4 stars). 2 submissions from 2 submitters: Likely pathogenic (2). Last evaluated 2025-01-09.

Conditions:
Hereditary cancer-predisposing syndrome. Also called: Neoplastic Syndromes, Hereditary; Tumor predisposition; Hereditary Cancer Syndrome; Hereditary neoplastic syndrome. Identifiers: Orphanet 140162, MedGen C0027672, MeSH D009386, MONDO:0015356.
Familial adenomatous polyposis 2. Also called: COLORECTAL ADENOMATOUS POLYPOSIS, AUTOSOMAL RECESSIVE; ADENOMAS, MULTIPLE COLORECTAL, AUTOSOMAL RECESSIVE; MYH-associated polyposis; Adenomas, multiple colorectal; FAP type 2; MUTYH-associated polyposis. Identifiers: Orphanet 220460, Orphanet 247798, MedGen C3272841, MONDO:0012041, OMIM 608456.

Submissions (2):

Ambry Genetics
Classification: Likely pathogenic for Hereditary cancer-predisposing syndrome. Last evaluated: 2025-01-09. Review status: criteria provided, single submitter. Criteria: Ambry Variant Classification Scheme 2023. Collection method: clinical testing. Allele origin: germline.
Comment: The c.788+1G>T intronic variant results from a G to T substitution one nucleotide after coding exon 9 of the MUTYH gene. This variant is considered to be rare based on population cohorts in the Genome Aggregation Database (gnomAD). This nucleotide position is highly conserved in available vertebrate species. In silico splice site analysis predicts that this alteration will weaken the native splice donor site. Alterations that disrupt the canonical splice site are expected to cause aberrant splicing, resulting in an abnormal protein or a transcript that is subject to nonsense-mediated mRNA decay. As such, this alteration is classified as likely pathogenic.

Labcorp Genetics (formerly Invitae), Labcorp
Classification: Likely pathogenic for Familial adenomatous polyposis 2. Last evaluated: 2024-09-24. Review status: criteria provided, single submitter. Criteria: Invitae Variant Classification Sherloc (09022015). Collection method: clinical testing. Allele origin: germline.
Comment: This sequence change affects a donor splice site in intron 9 of the MUTYH gene. It is expected to disrupt RNA splicing. Variants that disrupt the donor or acceptor splice site typically lead to a loss of protein function (PMID: 16199547), and loss-of-function variants in MUTYH are known to be pathogenic (PMID: 18534194, 20663686). This variant is not present in population databases (gnomAD no frequency). This variant has not been reported in the literature in individuals affected with MUTYH-related conditions. Algorithms developed to predict the effect of sequence changes on RNA splicing suggest that this variant may disrupt the consensus splice site. In summary, the currently available evidence indicates that the variant is pathogenic, but additional data are needed to prove that conclusively. Therefore, this variant has been classified as Likely Pathogenic.

Literature cited by the submitters: PubMed 16199547 (cited by Labcorp Genetics (formerly Invitae), Labcorp); PubMed 18534194 (cited by Labcorp Genetics (formerly Invitae), Labcorp); PubMed 20663686 (cited by Labcorp Genetics (formerly Invitae), Labcorp).

NM_001048174.2(MUTYH):c.704+1G>T

Gene: MUTYH (mutY DNA glycosylase; minus strand). Cytogenetic location: 1p34.1.
Variant type: single nucleotide variant.
Coding change: c.704+1G>T on transcript NM_001048174.2 (MANE Select); the canonical splice donor site of the intron after coding-DNA position 704, G replaced by T.
Molecular consequence: splice donor variant.
Genome position (GRCh38, 1-based): chr1:45,332,390, C>A on the plus strand (G>T on the coding strand, the complement: MUTYH is on the minus strand). VCF-style: chr1-45332390-C-A. GRCh37 (hg19) VCF-style: chr1-45798062-C-A.
Other names: c.704+1G>T (NM_001407072.1, NM_001407073.1, NM_001048171.2 and 6 more transcripts); c.359+1G>T (NM_001350651.2, NM_001350650.2, NM_001407082.1); c.428+1G>T (NM_001293192.2, NM_001293196.2, NM_001407091.1); c.749+1G>T (NM_001293190.2); c.737+1G>T (NM_001407069.1, NM_001407077.1, NM_001293191.2); c.779+1G>T (NM_012222.3); c.788+1G>T (NM_001128425.2, NM_001128425.1); c.707+1G>T (NM_001407071.1, NM_001048172.2, NM_001407078.1 and 1 more transcripts); and 5 more.
Identifiers: ClinVar variation 3721428 (VCV003721428.3).
Genomic context (GRCh38, chr1:45,332,390, plus strand): 5'-CTGTGAAGCAGAGCTCCTTTGCAGACACCCCTGAAGCACCCTTGTTACCCCAACATCCTA[C>A]CAGAGCTGCTGGGAAACAAGGGTGCTGCTGGGATCAGCACCAATGGCTCGGACACGGCAC-3'